The following is an entry in ClinVar:

ClinVar aggregate classification (germline): Uncertain significance (1 of 4 stars; one submission).

Conditions:
Inborn genetic diseases. Identifiers: MedGen C0950123, MeSH D030342.

Submission:

Ambry Genetics
Classification: Uncertain significance for Inborn genetic diseases. Last evaluated: 2025-04-07. Review status: criteria provided, single submitter. Criteria: Ambry Variant Classification Scheme 2023. Collection method: clinical testing. Allele origin: germline.
Comment: The p.E692Q variant (also known as c.2074G>C), located in coding exon 23 of the FANCA gene, results from a G to C substitution at nucleotide position 2074. The glutamic acid at codon 692 is replaced by glutamine, an amino acid with highly similar properties. This amino acid position is conserved. In addition, this alteration is predicted to be tolerated by in silico analysis. Based on the available evidence, the clinical significance of this variant remains unclear.

NM_000135.4(FANCA):c.2074G>C (p.Glu692Gln)

Gene: FANCA (FA complementation group A; minus strand). Cytogenetic location: 16q24.3.
Variant type: single nucleotide variant.
Coding change: c.2074G>C on transcript NM_000135.4 (MANE Select); coding-DNA position 2074, G replaced by C.
Protein change: p.Glu692Gln; replaces glutamic acid 692 with glutamine.
Molecular consequence: missense variant.
Genome position (GRCh38, 1-based): chr16:89,771,755, C>G on the plus strand (G>C on the coding strand, the complement: FANCA is on the minus strand). VCF-style: chr16-89771755-C-G. GRCh37 (hg19) VCF-style: chr16-89838163-C-G.
Other names: c.2074G>C, p.Glu692Gln (NM_001286167.3); short protein forms E692Q.
Identifiers: ClinVar variation 4022169 (VCV004022169.1).